The following is an entry in ClinVar:

ClinVar aggregate classification (germline): Uncertain significance (1 of 4 stars; one submission).

Conditions:
Gillespie syndrome (GLSP). Also called: Aniridia-cerebellar ataxia-intellectual disability syndrome; Aniridia, cerebellar ataxia, and mental deficiency. Identifiers: Orphanet 1065, MedGen C0431401, MONDO:0008795, OMIM 206700.

Submission:

Victorian Clinical Genetics Services, Murdoch Childrens Research Institute
Classification: Uncertain significance for Gillespie syndrome. Last evaluated: 2020-10-19. Review status: criteria provided, single submitter. Criteria: ACMG Guidelines, 2015. Collection method: clinical testing. Allele origin: germline. Inheritance: Autosomal dominant inheritance. Affected: yes.
Comment: Based on the classification scheme VCGS_Germline_v1.3.3, this variant is classified as 3B-VUS. Following criteria are met: 0102 - Loss of function is a known mechanism of disease in this gene and is associated with eye abnormalities. (I) 0107 - This gene is associated with autosomal dominant disease. (I) 0200 - Variant is predicted to result in a missense amino acid change from asparagine to lysine. (I) 0212 - Non-canonical splice site variant without proven consequence on splicing (no functional evidence available). This highly conserved variant is located at the last nucleotides of the exon without proven consequence on splicing. (SP) 0219 - This variant is non-coding in an alternative transcript. PAX6 has two isoforms, a and b, they cooperatively act in the development of both the posterior and anterior segment of the eye by regulating different genes (PMID: 26899008). This variant is only coding in isoform b. (I) 0251 - This variant is heterozygous. (I) 0301 - Variant is absent from gnomAD (both v2 and v3). (SP) 0502 - Missense variant with conflicting in silico predictions and uninformative conservation. (I) 0600 - Variant is located in the annotated paired box domain (NCBI). (I) 0705 - No comparable missense variants have previous evidence for pathogenicity. (I) 0807 - This variant has no previous evidence of pathogenicity. (I) 0905 - No published segregation evidence has been identified for this variant. (I) 1007 - No published functional evidence has been identified for this variant. (I) 1208 - Inheritance information for this variant is not currently available in this individual. (I) Legend: (SP) - Supporting pathogenic, (I) - Information, (SB) - Supporting benign

Literature cited by the submitters: PubMed 26899008.

NM_001368894.2(PAX6):c.183C>G (p.Asn61Lys)

Gene: PAX6 (paired box 6; minus strand). Cytogenetic location: 11p13.
Variant type: single nucleotide variant.
Coding change: c.183C>G on transcript NM_001368894.2 (MANE Select); coding-DNA position 183, C replaced by G.
Protein change: p.Asn61Lys; replaces asparagine 61 with lysine.
Molecular consequence: missense variant. On other transcripts: 5 prime UTR variant (7), non-coding transcript variant (1), intron variant (23).
Genome position (GRCh38, 1-based): chr11:31,801,871, G>C on the plus strand (C>G on the coding strand, the complement: PAX6 is on the minus strand). VCF-style: chr11-31801871-G-C. GRCh37 (hg19) VCF-style: chr11-31823419-G-C.
Other names: c.183C>G, p.Asn61Lys (NM_001258462.3, NM_001258463.2, NM_001310158.2 and 13 more transcripts); c.-599C>G (NM_001310160.2, NM_001368905.2); c.-268C>G (NM_001310161.3, NM_001368900.2, NM_001368903.2 and 2 more transcripts); c.186C>G, p.Asn62Lys (NM_001368911.2); c.258C>G, p.Asn86Lys (NM_001368918.2, NM_001368919.2); c.142-95C>G (NM_001127612.3, NM_001368890.2, NM_001368888.2 and 11 more transcripts); c.385-95C>G (NM_001368910.2); c.-267-95C>G (NM_001368909.2, NM_001368904.2, NM_001368906.2 and 3 more transcripts); and 2 more; short protein forms N61K, N62K, N86K.
Identifiers: ClinVar variation 1805855 (VCV001805855.1), dbSNP rs1255007700, ClinGen allele CA379959195.